The following is an entry in ClinVar:

ClinVar aggregate classification (germline): Uncertain significance. Review status: criteria provided, multiple submitters, no conflicts (2 of 4 stars). 2 submissions from 2 submitters: Uncertain significance (2). Last evaluated 2025-04-17.

Conditions:
Pfeiffer syndrome (ACS5). Also called: ACS V. Identifiers: Orphanet 710, MedGen C0220658, MONDO:0007043, OMIM 101600.
Hypogonadotropic hypogonadism 2 with or without anosmia (HH2). Also called: FGFR1-Related GnRH Deficiency (Kallmann Syndrome 2); HYPOGONADOTROPIC HYPOGONADISM 2 WITHOUT ANOSMIA; HYPOGONADOTROPIC HYPOGONADISM 2 WITH OR WITHOUT ANOSMIA, SUSCEPTIBILITY TO; HYPOGONADOTROPIC HYPOGONADISM 2 WITHOUT ANOSMIA, SUSCEPTIBILITY TO. Identifiers: Orphanet 478, MedGen C1563720, MONDO:0007844, OMIM 147950. Disease mechanism: loss of function.
Inborn genetic diseases. Identifiers: MedGen C0950123, MeSH D030342.

Allele frequency attached by ClinVar (database versions not stated): gnomAD 0.00001; TOPMed 0.00001; ESP Exome Variant Server 0.00008.
gnomAD v4.1: 6 of 1,614,082 alleles (0.00037%); highest among the groups gnomAD compares: Non-Finnish European, 0.00051%; no homozygotes.

Submissions (2):

Labcorp Genetics (formerly Invitae), Labcorp
Classification: Uncertain significance for Pfeiffer syndrome; Hypogonadotropic hypogonadism 2 with or without anosmia. Last evaluated: 2025-04-17. Review status: criteria provided, single submitter. Criteria: Invitae Variant Classification Sherloc (09022015). Collection method: clinical testing. Allele origin: germline.
Comment: This sequence change replaces serine, which is neutral and polar, with cysteine, which is neutral and slightly polar, at codon 451 of the FGFR1 protein (p.Ser451Cys). This variant is present in population databases (rs374672119, gnomAD 0.007%). This variant has not been reported in the literature in individuals affected with FGFR1-related conditions. ClinVar contains an entry for this variant (Variation ID: 1906072). Invitae Evidence Modeling of protein sequence and biophysical properties (such as structural, functional, and spatial information, amino acid conservation, physicochemical variation, residue mobility, and thermodynamic stability) indicates that this missense variant is not expected to disrupt FGFR1 protein function with a negative predictive value of 80%. In summary, the available evidence is currently insufficient to determine the role of this variant in disease. Therefore, it has been classified as a Variant of Uncertain Significance.

Ambry Genetics
Classification: Uncertain significance for Inborn genetic diseases. Last evaluated: 2024-06-30. Review status: criteria provided, single submitter. Criteria: Ambry Variant Classification Scheme 2023. Collection method: clinical testing. Allele origin: germline.

NM_023110.3(FGFR1):c.1352C>G (p.Ser451Cys)

Gene: FGFR1 (fibroblast growth factor receptor 1; minus strand). Cytogenetic location: 8p11.23.
Variant type: single nucleotide variant.
Coding change: c.1352C>G on transcript NM_023110.3 (MANE Select); coding-DNA position 1352, C replaced by G.
Protein change: p.Ser451Cys; replaces serine 451 with cysteine.
Molecular consequence: missense variant.
Genome position (GRCh38, 1-based): chr8:38,418,306, G>C on the plus strand (C>G on the coding strand, the complement: FGFR1 is on the minus strand). VCF-style: chr8-38418306-G-C. GRCh37 (hg19) VCF-style: chr8-38275824-G-C.
Other names: c.1352C>G, p.Ser451Cys (NM_000604.2); c.1346C>G, p.Ser449Cys (NM_001174063.2, NM_001174065.2, NM_001354367.2 and 1 more transcripts); c.1322C>G, p.Ser441Cys (NM_001174064.2); c.1085C>G, p.Ser362Cys (NM_001174066.2, NM_023105.3); c.1445C>G, p.Ser482Cys (NM_001174067.2); c.1073C>G, p.Ser358Cys (NM_001354368.2); c.1340C>G, p.Ser447Cys (NM_001354369.2, NM_001410922.1); c.1079C>G, p.Ser360Cys (NM_001354370.2, NM_023106.3); short protein forms S441C, S449C, S358C, S360C, S362C, S447C, S482C, S451C.
Identifiers: ClinVar variation 1906072 (VCV001906072.6), dbSNP rs374672119, ClinGen allele CA175141858.